The following is an entry in ClinVar:

NM_145068.4(TRPV3):c.1280C>T (p.Thr427Met)

Gene: TRPV3 (transient receptor potential cation channel subfamily V member 3; minus strand). Cytogenetic location: 17p13.2.
Variant type: single nucleotide variant.
Coding change: c.1280C>T on transcript NM_145068.4 (MANE Select); coding-DNA position 1280, C replaced by T.
Protein change: p.Thr427Met; replaces threonine 427 with methionine.
Molecular consequence: missense variant.
Genome position (GRCh38, 1-based): chr17:3,528,958, G>A on the plus strand (C>T on the coding strand, the complement: TRPV3 is on the minus strand). VCF-style: chr17-3528958-G-A. GRCh37 (hg19) VCF-style: chr17-3432252-G-A.
Other names: c.1280C>T, p.Thr427Met (NM_001258205.2); short protein forms T427M.
Identifiers: ClinVar variation 2074801 (VCV002074801.4), dbSNP rs149803974, ClinGen allele CA8289522.

ClinVar aggregate classification (germline): Uncertain significance (1 of 4 stars; one submission).

Allele frequency attached by ClinVar (database versions not stated): gnomAD exomes 0.00002; gnomAD 0.00004; ExAC 0.00005; TOPMed 0.00005; ESP Exome Variant Server 0.00008.
gnomAD v4.1: 33 of 1,614,098 alleles (0.002%); highest among the groups gnomAD compares: East Asian, 0.02%; no homozygotes.

Submission:

Labcorp Genetics (formerly Invitae), Labcorp
Classification: Uncertain significance. Last evaluated: 2025-05-06. Review status: criteria provided, single submitter. Criteria: Invitae Variant Classification Sherloc (09022015). Collection method: clinical testing. Allele origin: germline.
Comment: This sequence change replaces threonine, which is neutral and polar, with methionine, which is neutral and non-polar, at codon 427 of the TRPV3 protein (p.Thr427Met). This variant is present in population databases (rs149803974, gnomAD 0.01%). This variant has not been reported in the literature in individuals affected with TRPV3-related conditions. ClinVar contains an entry for this variant (Variation ID: 2074801). Invitae Evidence Modeling of protein sequence and biophysical properties (such as structural, functional, and spatial information, amino acid conservation, physicochemical variation, residue mobility, and thermodynamic stability) indicates that this missense variant is not expected to disrupt TRPV3 protein function with a negative predictive value of 95%. In summary, the available evidence is currently insufficient to determine the role of this variant in disease. Therefore, it has been classified as a Variant of Uncertain Significance.